The following is an entry in ClinVar:

ClinVar aggregate classification (germline): Uncertain significance (1 of 4 stars; one submission).

Conditions:
Inborn genetic diseases. Identifiers: MedGen C0950123, MeSH D030342.

Submission:

Ambry Genetics
Classification: Uncertain significance for Inborn genetic diseases. Last evaluated: 2025-04-21. Review status: criteria provided, single submitter. Criteria: Ambry Variant Classification Scheme 2023. Collection method: clinical testing. Allele origin: germline.
Comment: The p.N328Y variant (also known as c.982A>T), located in coding exon 5 of the FANCM gene, results from an A to T substitution at nucleotide position 982. The asparagine at codon 328 is replaced by tyrosine, an amino acid with dissimilar properties. This amino acid position is conserved. In addition, this alteration is predicted to be tolerated by in silico analysis. Based on the available evidence, the clinical significance of this variant remains unclear.

NM_020937.4(FANCM):c.982A>T (p.Asn328Tyr)

Gene: FANCM (FA complementation group M; plus strand). Cytogenetic location: 14q21.2.
Variant type: single nucleotide variant.
Coding change: c.982A>T on transcript NM_020937.4 (MANE Select); coding-DNA position 982, A replaced by T.
Protein change: p.Asn328Tyr; replaces asparagine 328 with tyrosine.
Molecular consequence: missense variant.
Genome position (GRCh38, 1-based): chr14:45,151,460, A>T. VCF-style: chr14-45151460-A-T. GRCh37 (hg19) VCF-style: chr14-45620663-A-T.
Other names: c.904A>T, p.Asn302Tyr (NM_001308133.2); c.982A>T, p.Asn328Tyr (NM_001308134.2); short protein forms N302Y, N328Y.
Identifiers: ClinVar variation 4022719 (VCV004022719.1).